The following is an entry in ClinVar:

ClinVar aggregate classification (germline): Uncertain significance. Review status: criteria provided, multiple submitters, no conflicts (2 of 4 stars). 2 submissions from 2 submitters: Uncertain significance (2). Last evaluated 2026-08-06.

Allele frequency attached by ClinVar (database versions not stated): gnomAD exomes 0.00001 and 0.00004; ExAC 0.00006; gnomAD 0.00011 and 0.00012; TOPMed 0.00015; 1000 Genomes Project 0.00060; 1000 Genomes Project 30x 0.00078.
gnomAD v4.1: 27 of 1,606,980 alleles (0.0017%); highest among the groups gnomAD compares: African/African-American, 0.036%; no homozygotes.

Submissions (2):

OLLIN Analises Genomicas, OLLIN
Classification: Uncertain significance. Last evaluated: 2026-08-06. Review status: criteria provided, single submitter. Criteria: ACMG Guidelines 2015 PMID 25741868. Collection method: clinical testing. Allele origin: germline.
Comment: This missense variant, located in exon 16 (of 23), has been reported in ClinVar (accession VCV001475572.3) and in gnomAD with an allele frequency of 0.0017%. However, to our knowledge, it has not been reported in the scientific literature. In silico analysis predicts that this variant has a tolerated effect. According to the currently available evidence, this variant has been classified as uncertain significance (PM2_P, BP4_M).

Labcorp Genetics (formerly Invitae), Labcorp
Classification: Uncertain significance. Last evaluated: 2022-08-15. Review status: criteria provided, single submitter. Criteria: Invitae Variant Classification Sherloc (09022015). Collection method: clinical testing. Allele origin: germline.
Comment: This sequence change replaces valine, which is neutral and non-polar, with isoleucine, which is neutral and non-polar, at codon 677 of the IARS2 protein (p.Val677Ile). This variant is present in population databases (rs542365502, gnomAD 0.05%). This variant has not been reported in the literature in individuals affected with IARS2-related conditions. ClinVar contains an entry for this variant (Variation ID: 1475572). Algorithms developed to predict the effect of missense changes on protein structure and function output the following: SIFT: "Tolerated"; PolyPhen-2: "Benign"; Align-GVGD: "Class C0". The isoleucine amino acid residue is found in multiple mammalian species, which suggests that this missense change does not adversely affect protein function. In summary, the available evidence is currently insufficient to determine the role of this variant in disease. Therefore, it has been classified as a Variant of Uncertain Significance.

NM_018060.4(IARS2):c.2029G>A (p.Val677Ile)

Gene: IARS2 (isoleucyl-tRNA synthetase 2, mitochondrial; plus strand). Cytogenetic location: 1q41.
Variant type: single nucleotide variant.
Coding change: c.2029G>A on transcript NM_018060.4 (MANE Select); coding-DNA position 2029, G replaced by A.
Protein change: p.Val677Ile; replaces valine 677 with isoleucine.
Molecular consequence: missense variant.
Genome position (GRCh38, 1-based): chr1:220,136,891, G>A. VCF-style: chr1-220136891-G-A. GRCh37 (hg19) VCF-style: chr1-220310233-G-A.
Other names: short protein forms V677I.
Identifiers: ClinVar variation 1475572 (VCV001475572.4), dbSNP rs542365502, ClinGen allele CA1401656.